The following is an entry in ClinVar:

ClinVar aggregate classification (germline): Uncertain significance. Review status: criteria provided, multiple submitters, no conflicts (2 of 4 stars). 2 submissions from 2 submitters: Uncertain significance (2). Last evaluated 2025-10-26.

Conditions:
Age related macular degeneration 1 (ARMD1). Also called: MACULOPATHY, AGE-RELATED, 1. Identifiers: MedGen C1864205, MONDO:0011285, OMIM 603075.

Allele frequency attached by ClinVar (database versions not stated): gnomAD 0.00001; gnomAD exomes 0.00003 and 0.00002; ESP Exome Variant Server 0.00008; TOPMed 0.00002; ExAC 0.00003.
gnomAD v4.1: 37 of 1,602,674 alleles (0.0023%); highest among the groups gnomAD compares: East Asian, 0.0089%; no homozygotes.

Submissions (2):

Labcorp Genetics (formerly Invitae), Labcorp
Classification: Uncertain significance. Last evaluated: 2025-10-26. Review status: criteria provided, single submitter. Criteria: Invitae Variant Classification Sherloc (09022015). Collection method: clinical testing. Allele origin: germline.
Comment: This sequence change replaces arginine, which is basic and polar, with cysteine, which is neutral and slightly polar, at codon 1959 of the HMCN1 protein (p.Arg1959Cys). This variant is present in population databases (rs149920975, gnomAD 0.01%). This variant has not been reported in the literature in individuals affected with HMCN1-related conditions. ClinVar contains an entry for this variant (Variation ID: 874666). An algorithm developed to predict the effect of missense changes on protein structure and function (PolyPhen-2) suggests that this variant is likely to be disruptive. Algorithms developed to predict the effect of sequence changes on RNA splicing suggest that this variant may disrupt the consensus splice site. In summary, the available evidence is currently insufficient to determine the role of this variant in disease. Therefore, it has been classified as a Variant of Uncertain Significance.

Illumina Laboratory Services, Illumina
Classification: Uncertain significance for Age related macular degeneration 1. Last evaluated: 2018-01-13. Review status: criteria provided, single submitter. Criteria: ICSL Variant Classification Criteria 13 December 2019. Collection method: clinical testing. Allele origin: germline.

NM_031935.3(HMCN1):c.5875C>T (p.Arg1959Cys)

Gene: HMCN1 (hemicentin 1; plus strand). Cytogenetic location: 1q31.1.
Variant type: single nucleotide variant.
Coding change: c.5875C>T on transcript NM_031935.3 (MANE Select); coding-DNA position 5875, C replaced by T.
Protein change: p.Arg1959Cys; replaces arginine 1959 with cysteine.
Molecular consequence: missense variant.
Genome position (GRCh38, 1-based): chr1:186,038,852, C>T. VCF-style: chr1-186038852-C-T. GRCh37 (hg19) VCF-style: chr1-186007984-C-T.
Other names: short protein forms R1959C.
Identifiers: ClinVar variation 874666 (VCV000874666.6), dbSNP rs149920975, ClinGen allele CA1292407.